The following is an entry in ClinVar:

Single allele

Gene: DROSHA (drosha ribonuclease III; minus strand). Cytogenetic location: 5p13.3.
Variant type: Deletion.
Identifiers: ClinVar variation 3393495 (VCV003393495.1).

ClinVar aggregate classification (oncogenicity): Likely oncogenic (0 of 4 stars; one submission).

Conditions:
Pineoblastoma. Identifiers: Orphanet 251909, MedGen C0205898, MONDO:0016722, HP:0030408.

Submission:

Center for Precision Oncology and Cancer Prevention, Roswell Park Comprehensive Cancer Center
Classification: Likely oncogenic for Pineoblastoma. Last evaluated: 2024-11-22. Review status: no assertion criteria provided. Collection method: research. Allele origin: somatic. Affected: yes. Observed: 1 variant allele.